The following is an entry in ClinVar:

ClinVar aggregate classification (germline): Pathogenic. Review status: criteria provided, multiple submitters, no conflicts (2 of 4 stars). 3 submissions from 3 submitters: Pathogenic (3). Last evaluated 2025-03-18.

Conditions:
Mucolipidosis type II. Also called: Mucolipidosis 2; ML 2; Inclusion cell disease; Leroy Disease; N-acetylglucosamine 1phosphotransferase deficiency; ML disorder type 2. Identifiers: Orphanet 576, MedGen C2673377, MONDO:0009650, OMIM 252500.
Pseudo-Hurler polydystrophy. Also called: ML IIIA; Mucolipidosis III Alpha/Beta; MUCOLIPIDOSIS IIIA; ML III; ML III ALPHA/BETA; Type III Mucolipidosis. Identifiers: Orphanet 423461, Orphanet 577, MedGen C0033788, MONDO:0018931, OMIM 252600.

gnomAD v4.1: 1 of 1,614,016 alleles (0.000062%); no homozygotes.

Submissions (3):

Intergen Genetics and Rare Diseases Diagnosis Center
Classification: Pathogenic for Pseudo-Hurler polydystrophy. Last evaluated: 2025-03-18. Review status: criteria provided, single submitter. Criteria: ACMG Guidelines, 2015. Collection method: clinical testing. Allele origin: biparental. Inheritance: Autosomal recessive inheritance. Affected: yes. Observed: 1 homozygote.

Natera, Inc.
Classification: Pathogenic for Mucolipidosis type II. Last evaluated: 2024-10-24. Review status: criteria provided, single submitter. Criteria: Natera Variant Classification Schema (03/2026). Collection method: clinical testing. Allele origin: germline.
Comment: The c.1212C>G variant in GNPTAB is a nonsense variant predicted to introduce a stop codon at amino acid 404. This variant is expected to result in nonsense mediated decay, truncation, or a dysfunctional protein product. This variant is rare in the general population with a frequency below the threshold expected for the associated phenotype(s). This variant has been observed in one or more individuals affected with the associated recessive disease, as either homozygous or compound heterozygous with a second variant (PMID: 27662472, 35005816). Given the available evidence, this variant is classified as Pathogenic.

Labcorp Genetics (formerly Invitae), Labcorp
Classification: Pathogenic for Pseudo-Hurler polydystrophy; Mucolipidosis type II. Last evaluated: 2022-09-22. Review status: criteria provided, single submitter. Criteria: Invitae Variant Classification Sherloc (09022015). Collection method: clinical testing. Allele origin: germline.
Comment: For these reasons, this variant has been classified as Pathogenic. This premature translational stop signal has been observed in individual(s) with mucolipidosis II (PMID: 27662472, 31795562). This sequence change creates a premature translational stop signal (p.Tyr404*) in the GNPTAB gene. It is expected to result in an absent or disrupted protein product. Loss-of-function variants in GNPTAB are known to be pathogenic (PMID: 19617216, 25107912). This variant is not present in population databases (gnomAD no frequency).

Literature cited by the submitters: PubMed 27662472 (cited by Natera, Inc. and Labcorp Genetics (formerly Invitae), Labcorp); PubMed 35005816 (cited by Natera, Inc.); PubMed 31795562 (cited by Labcorp Genetics (formerly Invitae), Labcorp); PubMed 19617216 (cited by Labcorp Genetics (formerly Invitae), Labcorp); PubMed 25107912 (cited by Labcorp Genetics (formerly Invitae), Labcorp).

NM_024312.5(GNPTAB):c.1212C>G (p.Tyr404Ter)

Gene: GNPTAB (N-acetylglucosamine-1-phosphate transferase subunits alpha and beta; minus strand). Cytogenetic location: 12q23.2.
Variant type: single nucleotide variant.
Coding change: c.1212C>G on transcript NM_024312.5 (MANE Select); coding-DNA position 1212, C replaced by G.
Protein change: p.Tyr404Ter; replaces tyrosine 404 with a stop codon.
Molecular consequence: nonsense.
Genome position (GRCh38, 1-based): chr12:101,770,093, G>C on the plus strand (C>G on the coding strand, the complement: GNPTAB is on the minus strand). VCF-style: chr12-101770093-G-C. GRCh37 (hg19) VCF-style: chr12-102163871-G-C.
Other names: c.1212C>G (NM_024312.4); short protein forms Y404*.
Identifiers: ClinVar variation 2137399 (VCV002137399.6), dbSNP rs1594218809, ClinGen allele CA386302580.
Genomic context (GRCh38, chr12:101,770,093, plus strand): 5'-GGAGTGACTGTAAAAATCATCTGGCCAGACATCCTTCCCAAACATGACATCATCATTTAG[G>C]TAAATAAACTTCTGGGACAGCCCTTCGATGCGATGAATGTGACTTTCAATAGCAGGTGAA-3'